The following is an entry in ClinVar:

ClinVar aggregate classification (germline): Uncertain significance (1 of 4 stars; one submission).

Conditions:
Neurofibromatosis, type 2 (SWNV). Also called: SCHWANNOMATOSIS, VESTIBULAR; NF2-Related Schwannomatosis; BILATERAL ACOUSTIC NEUROFIBROMATOSIS. Identifiers: Orphanet 637, MedGen C0027832, MONDO:0007039, OMIM 101000. Disease mechanism: loss of function.

Submission:

Labcorp Genetics (formerly Invitae), Labcorp
Classification: Uncertain significance for Neurofibromatosis, type 2. Last evaluated: 2022-08-23. Review status: criteria provided, single submitter. Criteria: Invitae Variant Classification Sherloc (09022015). Collection method: clinical testing. Allele origin: germline.
Comment: In summary, the available evidence is currently insufficient to determine the role of this variant in disease. Therefore, it has been classified as a Variant of Uncertain Significance. This sequence change replaces glutamine, which is neutral and polar, with leucine, which is neutral and non-polar, at codon 319 of the NF2 protein (p.Gln319Leu). This variant is not present in population databases (gnomAD no frequency). This variant has not been reported in the literature in individuals affected with NF2-related conditions. Algorithms developed to predict the effect of missense changes on protein structure and function are either unavailable or do not agree on the potential impact of this missense change (SIFT: "Deleterious"; PolyPhen-2: "Benign"; Align-GVGD: "Class C65").

NM_000268.4(NF2):c.956A>T (p.Gln319Leu)

Gene: NF2 (NF2, moesin-ezrin-radixin like (MERLIN) tumor suppressor; plus strand). Cytogenetic location: 22q12.2.
Variant type: single nucleotide variant.
Coding change: c.956A>T on transcript NM_000268.4 (MANE Select); coding-DNA position 956, A replaced by T.
Protein change: p.Gln319Leu; replaces glutamine 319 with leucine.
Molecular consequence: missense variant. On other transcripts: non-coding transcript variant (1), intron variant (1).
Genome position (GRCh38, 1-based): chr22:29,668,403, A>T. VCF-style: chr22-29668403-A-T. GRCh37 (hg19) VCF-style: chr22-30064392-A-T.
Other names: c.833A>T, p.Gln278Leu (NM_001407058.1, NM_001407054.1, NM_181829.3); c.821A>T, p.Gln274Leu (NM_001407059.1, NM_001407057.1); c.956A>T, p.Gln319Leu (NM_001407060.1, NM_001407066.1, NM_016418.5 and 2 more transcripts); c.698A>T, p.Gln233Leu (NM_001407062.1); c.707A>T, p.Gln236Leu (NM_001407063.1, NM_001407064.1, NM_181830.3 and 1 more transcripts); c.422A>T, p.Gln141Leu (NM_001407065.1); c.725A>T, p.Gln242Leu (NM_001407067.1); c.842A>T, p.Gln281Leu (NM_001407053.1, NM_001407056.1); and 2 more; short protein forms Q141L, Q233L, Q236L, Q242L, Q274L, Q277L, Q278L, Q281L.
Identifiers: ClinVar variation 1717843 (VCV001717843.6), dbSNP rs2066688442, ClinGen allele CA411145921.